The following is an entry in ClinVar:

NM_020937.4(FANCM):c.1702A>G (p.Ile568Val)

Gene: FANCM (FA complementation group M; plus strand). Cytogenetic location: 14q21.2.
Variant type: single nucleotide variant.
Coding change: c.1702A>G on transcript NM_020937.4 (MANE Select); coding-DNA position 1702, A replaced by G.
Protein change: p.Ile568Val; replaces isoleucine 568 with valine.
Molecular consequence: missense variant.
Genome position (GRCh38, 1-based): chr14:45,164,479, A>G. VCF-style: chr14-45164479-A-G. GRCh37 (hg19) VCF-style: chr14-45633682-A-G.
Other names: c.1624A>G, p.Ile542Val (NM_001308133.2); c.1702A>G, p.Ile568Val (NM_001308134.2); short protein forms I542V, I568V.
Identifiers: ClinVar variation 860295 (VCV000860295.7), dbSNP rs558763945, ClinGen allele CA7169127.

ClinVar aggregate classification (germline): Uncertain significance (1 of 4 stars; one submission).

Conditions:
Fanconi anemia (FA). Also called: Fanconi's anemia. Identifiers: Orphanet 84, MedGen C0015625, MeSH D005199, MONDO:0019391.

Allele frequency attached by ClinVar (database versions not stated): gnomAD exomes 0.00001; gnomAD 0.00003 and 0.00002; TOPMed 0.00002; ExAC 0.00002.
gnomAD v4.1: 30 of 1,613,638 alleles (0.0019%); highest among the groups gnomAD compares: African/African-American, 0.015%; no homozygotes.

Submission:

Labcorp Genetics (formerly Invitae), Labcorp
Classification: Uncertain significance for Fanconi anemia. Last evaluated: 2025-09-03. Review status: criteria provided, single submitter. Criteria: Invitae Variant Classification Sherloc (09022015). Collection method: clinical testing. Allele origin: germline.
Comment: This sequence change replaces isoleucine, which is neutral and non-polar, with valine, which is neutral and non-polar, at codon 568 of the FANCM protein (p.Ile568Val). This variant is present in population databases (rs558763945, gnomAD 0.008%). This variant has not been reported in the literature in individuals affected with FANCM-related conditions. ClinVar contains an entry for this variant (Variation ID: 860295). An algorithm developed to predict the effect of missense changes on protein structure and function outputs the following: PolyPhen-2: "Benign". The valine amino acid residue is found in multiple mammalian species, which suggests that this missense change does not adversely affect protein function. In summary, the available evidence is currently insufficient to determine the role of this variant in disease. Therefore, it has been classified as a Variant of Uncertain Significance.